The following is an entry in ClinVar:

ClinVar aggregate classification (germline): Uncertain significance. Review status: criteria provided, multiple submitters, no conflicts (2 of 4 stars). 2 submissions from 2 submitters: Uncertain significance (2). Last evaluated 2026-09-02.

Conditions:
Inborn genetic diseases. Identifiers: MedGen C0950123, MeSH D030342.

Allele frequency attached by ClinVar (database versions not stated): gnomAD exomes 0.00001 and below 0.00001; TOPMed 0.00001; gnomAD 0.00001.
gnomAD v4.1: 7 of 1,614,228 alleles (0.00043%); highest among the groups gnomAD compares: African/African-American, 0.004%; no homozygotes.

Submissions (2):

Ambry Genetics
Classification: Uncertain significance for Inborn genetic diseases. Last evaluated: 2026-09-02. Review status: criteria provided, single submitter. Criteria: Ambry Variant Classification Scheme 2023. Collection method: clinical testing. Allele origin: germline.

Labcorp Genetics (formerly Invitae), Labcorp
Classification: Uncertain significance. Last evaluated: 2021-08-23. Review status: criteria provided, single submitter. Criteria: Invitae Variant Classification Sherloc (09022015). Collection method: clinical testing. Allele origin: germline.
Comment: This sequence change replaces asparagine with serine at codon 3564 of the LRP2 protein (p.Asn3564Ser). The asparagine residue is highly conserved and there is a small physicochemical difference between asparagine and serine. This variant is not present in population databases (ExAC no frequency). This variant has not been reported in the literature in individuals affected with LRP2-related conditions. Algorithms developed to predict the effect of missense changes on protein structure and function (SIFT, PolyPhen-2, Align-GVGD) all suggest that this variant is likely to be disruptive. In summary, the available evidence is currently insufficient to determine the role of this variant in disease. Therefore, it has been classified as a Variant of Uncertain Significance.

NM_004525.3(LRP2):c.10691A>G (p.Asn3564Ser)

Gene: LRP2 (LDL receptor related protein 2; minus strand). Cytogenetic location: 2q31.1.
Variant type: single nucleotide variant.
Coding change: c.10691A>G on transcript NM_004525.3 (MANE Select); coding-DNA position 10691, A replaced by G.
Protein change: p.Asn3564Ser; replaces asparagine 3564 with serine.
Molecular consequence: missense variant.
Genome position (GRCh38, 1-based): chr2:169,175,270, T>C on the plus strand (A>G on the coding strand, the complement: LRP2 is on the minus strand). VCF-style: chr2-169175270-T-C. GRCh37 (hg19) VCF-style: chr2-170031780-T-C.
Other names: c.10691A>G (NM_004525.2); short protein forms N3564S.
Identifiers: ClinVar variation 1366393 (VCV001366393.4), dbSNP rs1393564907, ClinGen allele CA349146491.